The following continues an entry in ClinVar:

NM_000329.3(RPE65):c.272G>A (p.Arg91Gln)

Gene: RPE65. ClinVar aggregate classification (germline): Pathogenic. Pathogenic (1).

Submissions 7 to 16 of 16:

Natera, Inc.
Classification: Pathogenic for Leber congenital amaurosis. Last evaluated: 2024-08-25. Review status: criteria provided, single submitter. Criteria: Natera Variant Classification Schema (03/2026). Collection method: clinical testing. Allele origin: germline. Not counted in ClinVar's aggregate classification.
Comment: The c.272G>A variant in RPE65 is a missense variant predicted to cause substitution of arginine to glutamine at amino acid 91. This variant is rare in the general population with a frequency below the threshold expected for the associated phenotype(s). This variant has been observed in one or more individuals affected with the associated recessive disease, as either homozygous or compound heterozygous with a second variant (PMID: 30996589, 33952291, 19117922). Given the available evidence, this variant is classified as Pathogenic.

Fulgent Genetics
Classification: Pathogenic for Leber congenital amaurosis 2; Retinitis pigmentosa 20; Retinitis pigmentosa 87 with choroidal involvement. Last evaluated: 2024-04-23. Review status: criteria provided, single submitter. Criteria: ACMG Guidelines, 2015. Collection method: clinical testing. Allele origin: germline. Not counted in ClinVar's aggregate classification.

Baylor Genetics
Classification: Pathogenic for Leber congenital amaurosis 2. Last evaluated: 2024-03-26. Review status: criteria provided, single submitter. Criteria: ACMG Guidelines, 2015. Collection method: clinical testing. Allele origin: unknown. Not counted in ClinVar's aggregate classification.

Blueprint Genetics
Classification: Pathogenic for RPE65-related disorders. Last evaluated: 2024-03-16. Review status: criteria provided, single submitter. Criteria: ACMG Guidelines, 2015. Collection method: clinical testing. Allele origin: germline. Affected: yes. Observed: 5 variant alleles. Not counted in ClinVar's aggregate classification.

GeneDx
Classification: Pathogenic. Last evaluated: 2023-08-19. Review status: criteria provided, single submitter. Criteria: GeneDx Variant Classification Process June 2021. Collection method: clinical testing. Allele origin: germline. Affected: yes. Not counted in ClinVar's aggregate classification.
Comment: Published functional studies demonstrated a greatly reduced retinoid isomerase activity (Philp et al., 2009); This variant is associated with the following publications: (PMID: 11462243, 25356976, 25525159, 11095629, 31054281, 19431183, 26656277, 32865313, 34492281, 33952291, 17197551, 20079931, 31630094, 30996589, 34830511, 30268864, 18539930, 17651254, 16754667, 16518657, 19117922)

Ambry Genetics
Classification: Pathogenic for Inborn genetic diseases. Last evaluated: 2023-06-12. Review status: criteria provided, single submitter. Criteria: Ambry Variant Classification Scheme 2023. Collection method: clinical testing. Allele origin: germline. Not counted in ClinVar's aggregate classification.
Comment: The c.272G>A (p.R91Q) alteration is located in coding exon 4 of the RPE65 gene. This alteration results from a G to A substitution at nucleotide position 272, causing the arginine (R) at amino acid position 91 to be replaced by a glutamine (Q). Based on data from gnomAD, the A allele has an overall frequency of 0.005% (13/282622) total alleles studied. The highest observed frequency was 0.032% (8/24940) of African alleles. This variant has been reported in numerous individuals diagnosed with a RPE65-related retinopathy in both homozygous and compound heterozygous states (Sallum, 2020; Lopez-Rodriguez, 2021; Shi, 2021). This amino acid position is highly conserved in available vertebrate species. This alteration is predicted to be deleterious by in silico analysis. Based on the available evidence, this alteration is classified as pathogenic.

Institute of Human Genetics, Univ. Regensburg, Univ. Regensburg
Classification: Pathogenic for Retinal dystrophy. Last evaluated: 2023-01-01. Review status: criteria provided, single submitter. Criteria: ACMG Guidelines, 2015. Collection method: clinical testing. Allele origin: germline. Affected: yes. Not counted in ClinVar's aggregate classification.

Mendelics
Classification: Pathogenic for Leber congenital amaurosis 2. Last evaluated: 2022-05-04. Review status: criteria provided, single submitter. Criteria: Mendelics Assertion Criteria 2019. Collection method: clinical testing. Allele origin: germline. Not counted in ClinVar's aggregate classification.

Institute of Medical Genetics and Applied Genomics, University Hospital Tübingen
Classification: Pathogenic for Retinitis pigmentosa. Last evaluated: 2021-10-25. Review status: criteria provided, single submitter. Criteria: ACMG Guidelines, 2015. Collection method: clinical testing. Allele origin: germline. Inheritance: Autosomal recessive inheritance. Affected: yes. Not counted in ClinVar's aggregate classification.

Retina International
No classification provided. Review status: no classification provided. Collection method: not provided. Allele origin: not provided. Not counted in ClinVar's aggregate classification.

Literature cited by the submitters: PubMed 11462243 (cited by Labcorp Genetics (formerly Invitae), Labcorp); PubMed 17197551 (cited by Labcorp Genetics (formerly Invitae), Labcorp); PubMed 18539930 (cited by Labcorp Genetics (formerly Invitae), Labcorp); PubMed 20079931 (cited by Labcorp Genetics (formerly Invitae), Labcorp); PubMed 25356976 (cited by Labcorp Genetics (formerly Invitae), Labcorp and Institute of Human Genetics, Univ. Regensburg, Univ. Regensburg); PubMed 26656277 (cited by Labcorp Genetics (formerly Invitae), Labcorp); PubMed 30268864 (cited by Labcorp Genetics (formerly Invitae), Labcorp and Institute of Human Genetics, Univ. Regensburg, Univ. Regensburg); PubMed 19431183 (cited by Labcorp Genetics (formerly Invitae), Labcorp and Institute of Human Genetics, Univ. Regensburg, Univ. Regensburg); PubMed 9501220 (cited by Labcorp Genetics (formerly Invitae), Labcorp); PubMed 10766140 (cited by Labcorp Genetics (formerly Invitae), Labcorp); PubMed 10937591 (cited by Labcorp Genetics (formerly Invitae), Labcorp); PubMed 11095629 (cited by Labcorp Genetics (formerly Invitae), Labcorp and Institute of Human Genetics, Univ. Regensburg, Univ. Regensburg); PubMed 16754667 (cited by Labcorp Genetics (formerly Invitae), Labcorp); PubMed 18682808 (cited by Labcorp Genetics (formerly Invitae), Labcorp); PubMed 25752820 (cited by Labcorp Genetics (formerly Invitae), Labcorp); PubMed 32865313 (cited by 3 submitters); PubMed 30996589 (cited by Natera, Inc. and Institute of Human Genetics, Univ. Regensburg, Univ. Regensburg); PubMed 33952291 (cited by Natera, Inc.); PubMed 19117922 (cited by Natera, Inc.); PubMed 34492281 (cited by Ambry Genetics and Institute of Human Genetics, Univ. Regensburg, Univ. Regensburg); PubMed 34830511 (cited by Ambry Genetics and Institute of Human Genetics, Univ. Regensburg, Univ. Regensburg); PubMed 25525159 (cited by Institute of Human Genetics, Univ. Regensburg, Univ. Regensburg); PubMed 31054281 (cited by Institute of Human Genetics, Univ. Regensburg, Univ. Regensburg); PubMed 31964843 (cited by Institute of Human Genetics, Univ. Regensburg, Univ. Regensburg); PubMed 31630094 (cited by Institute of Human Genetics, Univ. Regensburg, Univ. Regensburg).